The following is an entry in ClinVar:

ClinVar aggregate classification (germline): Uncertain significance (1 of 4 stars; one submission).

Conditions:
Multiple acyl-CoA dehydrogenase deficiency (MADD). Also called: Glutaric aciduria, type 2; Glutaric acidemia type II; GA 2; ETHYLMALONIC-ADIPICACIDURIA; GA II; Glutaric Acidemia type 2. Identifiers: Orphanet 26791, MedGen C0268596, MONDO:0009282, OMIM 231680.

Submission:

Labcorp Genetics (formerly Invitae), Labcorp
Classification: Uncertain significance for Multiple acyl-CoA dehydrogenase deficiency. Last evaluated: 2020-03-03. Review status: criteria provided, single submitter. Criteria: Invitae Variant Classification Sherloc (09022015). Collection method: clinical testing. Allele origin: germline.
Comment: Algorithms developed to predict the effect of sequence changes on RNA splicing suggest that this variant may create or strengthen a splice site, but this prediction has not been confirmed by published transcriptional studies. In summary, the available evidence is currently insufficient to determine the role of this variant in disease. Therefore, it has been classified as a Variant of Uncertain Significance. This sequence change affects codon 316 of the ETFDH mRNA. It is a 'silent' change, meaning that it does not change the encoded amino acid sequence of the ETFDH protein. This variant is not present in population databases (ExAC no frequency).

NM_004453.4(ETFDH):c.948A>G (p.Glu316=)

Gene: ETFDH (electron transfer flavoprotein dehydrogenase; plus strand). Cytogenetic location: 4q32.1.
Variant type: single nucleotide variant.
Coding change: c.948A>G on transcript NM_004453.4 (MANE Select); coding-DNA position 948, A replaced by G.
Protein change: p.Glu316=; no amino-acid change (glutamic acid 316 retained).
Molecular consequence: synonymous variant.
Genome position (GRCh38, 1-based): chr4:158,697,675, A>G. VCF-style: chr4-158697675-A-G. GRCh37 (hg19) VCF-style: chr4-159618827-A-G.
Other names: c.807A>G, p.Glu269= (NM_001281737.2); c.765A>G, p.Glu255= (NM_001281738.1).
Identifiers: ClinVar variation 1043298 (VCV001043298.9), dbSNP rs1774347347, ClinGen allele CA442138365.
Genomic context (GRCh38, chr4:158,697,675, plus strand): 5'-TTGGCCCTTGGACAGACATACCTATGGAGGATCTTTCCTCTATCATTTGAATGAAGGTGA[A>G]CCCCTAGTAGCTCTTGGTCTTGTGGTAAGTTATATTCCCATTAGGGAAAATTCTGCTGCT-3'
Protein context (NP_004444.2, residues 306-326): GSFLYHLNEG[Glu316=]PLVALGLVVG